The following is an entry in ClinVar:

NM_004444.5(EPHB4):c.1141C>A (p.Pro381Thr)

Gene: EPHB4 (EPH receptor B4; minus strand). Cytogenetic location: 7q22.1.
Variant type: single nucleotide variant.
Coding change: c.1141C>A on transcript NM_004444.5 (MANE Select); coding-DNA position 1141, C replaced by A.
Protein change: p.Pro381Thr; replaces proline 381 with threonine.
Molecular consequence: missense variant.
Genome position (GRCh38, 1-based): chr7:100,819,713, G>T on the plus strand (C>A on the coding strand, the complement: EPHB4 is on the minus strand). VCF-style: chr7-100819713-G-T. GRCh37 (hg19) VCF-style: chr7-100417335-G-T.
Other names: short protein forms P381T.
Identifiers: ClinVar variation 4870546 (VCV004870546.1).
Genomic context (GRCh38, chr7:100,819,713, plus strand): 5'-TGAAGTCAGGACGTAGCCCTCGAACCACCACCCAGGGCTCCACCAGGTCCCGGGGGCCGG[G>T]GTCAAAAGTCAGGTCTCCCCCGCAGGGCGCACAGGAGCCTCCGGGTCGGCACTCCCGGCA-3'
Protein context (NP_004435.3, residues 371-391): APCGGDLTFD[Pro381Thr]GPRDLVEPWV

ClinVar aggregate classification (germline): Uncertain significance (1 of 4 stars; one submission).

Conditions:
Cardiovascular phenotype. Identifiers: MedGen CN230736.

Submission:

Ambry Genetics
Classification: Uncertain significance for Cardiovascular phenotype. Last evaluated: 2026-05-28. Review status: criteria provided, single submitter. Criteria: Ambry Variant Classification Scheme 2023. Collection method: clinical testing. Allele origin: germline.
Comment: The p.P381T variant (also known as c.1141C>A), located in coding exon 6 of the EPHB4 gene, results from a C to A substitution at nucleotide position 1141. The proline at codon 381 is replaced by threonine, an amino acid with highly similar properties. This amino acid position is conserved. In addition, this alteration is predicted to be deleterious by in silico analysis. Based on the available evidence, the clinical significance of this variant remains unclear.